The following is an entry in ClinVar:

ClinVar aggregate classification (germline): Conflicting classifications of pathogenicity. Review status: criteria provided, conflicting classifications (1 of 4 stars). 5 submissions from 5 submitters: Uncertain significance (4); Likely benign (1). Last evaluated 2025-06-02.

Conditions:
Hereditary cancer-predisposing syndrome. Also called: Tumor predisposition; Neoplastic Syndromes, Hereditary; Hereditary Cancer Syndrome; Hereditary neoplastic syndrome. Identifiers: Orphanet 140162, MedGen C0027672, MeSH D009386, MONDO:0015356.
Multiple endocrine neoplasia, type 1 (MEN1). Also called: MEA I; MEN I; WERMER SYNDROME; Endocrine adenomatosis multiple; MEN 1. Identifiers: Orphanet 652, MedGen C0025267, MeSH D018761, MONDO:0007540, OMIM 131100.

Allele frequency attached by ClinVar (database versions not stated): gnomAD exomes below 0.00001; gnomAD 0.00001; TOPMed 0.00001; ExAC 0.00002; ESP Exome Variant Server 0.00015.
gnomAD v4.1: 4 of 1,591,828 alleles (0.00025%); highest among the groups gnomAD compares: African/African-American, 0.0054%; no homozygotes.

Submissions (5):

Labcorp Genetics (formerly Invitae), Labcorp
Classification: Likely benign for Multiple endocrine neoplasia, type 1. Last evaluated: 2025-06-02. Review status: criteria provided, single submitter. Criteria: Invitae Variant Classification Sherloc (09022015). Collection method: clinical testing. Allele origin: germline.

Ambry Genetics
Classification: Uncertain significance for Hereditary cancer-predisposing syndrome. Last evaluated: 2025-03-07. Review status: criteria provided, single submitter. Criteria: Ambry Variant Classification Scheme 2023. Collection method: clinical testing. Allele origin: germline.
Comment: The p.D70E variant (also known as c.210C>A), located in coding exon 1 of the MEN1 gene, results from a C to A substitution at nucleotide position 210. The aspartic acid at codon 70 is replaced by glutamic acid, an amino acid with highly similar properties. This amino acid position is not well conserved in available vertebrate species. In addition, the in silico prediction for this alteration is inconclusive. Since supporting evidence is limited at this time, the clinical significance of this alteration remains unclear.

GeneDx
Classification: Uncertain significance. Last evaluated: 2024-12-09. Review status: criteria provided, single submitter. Criteria: GeneDx Variant Classification Process June 2021. Collection method: clinical testing. Allele origin: germline. Affected: yes.
Comment: Not observed at significant frequency in large population cohorts (gnomAD); In silico analysis indicates that this missense variant does not alter protein structure/function; Has not been previously published as pathogenic or benign to our knowledge

All of Us Research Program, National Institutes of Health
Classification: Uncertain significance for Multiple endocrine neoplasia, type 1. Last evaluated: 2024-08-06. Review status: criteria provided, single submitter. Criteria: ACMG Guidelines, 2015. Collection method: clinical testing. Allele origin: germline. Inheritance: Autosomal dominant inheritance. Observed: 2 variant alleles, 2 heterozygotes.
Comment: This missense variant replaces aspartic acid with glutamic acid at codon 70 of the MEN1 protein. Computational prediction suggests that this variant may not impact protein structure and function. To our knowledge, functional studies have not been reported for this variant. This variant has not been reported in individuals affected with MEN1-related disorders in the literature. This variant has been identified in 1/207592 chromosomes in the general population by the Genome Aggregation Database (gnomAD). The available evidence is insufficient to determine the role of this variant in disease conclusively. Therefore, this variant is classified as a Variant of Uncertain Significance.

This study involves interpretation of variants in research participants for the purpose of population health screening. Participant phenotype was not available at the time of variant classification. Additional details can be found in publication PMID: 35346344, PMCID: PMC8962531

Baylor Genetics
Classification: Uncertain significance for Multiple Endocrine Neoplasia Type 1. Last evaluated: 2024-02-27. Review status: criteria provided, single submitter. Criteria: ACMG Guidelines, 2015. Collection method: clinical testing. Allele origin: unknown.

NM_001370259.2(MEN1):c.210C>A (p.Asp70Glu)

Gene: MEN1 (menin 1; minus strand). Cytogenetic location: 11q13.1.
Variant type: single nucleotide variant.
Coding change: c.210C>A on transcript NM_001370259.2 (MANE Select); coding-DNA position 210, C replaced by A.
Protein change: p.Asp70Glu; replaces aspartic acid 70 with glutamic acid.
Molecular consequence: missense variant.
Genome position (GRCh38, 1-based): chr11:64,809,900, G>T on the plus strand (C>A on the coding strand, the complement: MEN1 is on the minus strand). VCF-style: chr11-64809900-G-T. GRCh37 (hg19) VCF-style: chr11-64577372-G-T.
Other names: c.210C>A, p.Asp70Glu (NM_000244.4, NM_001370251.2, NM_001370260.2 and 9 more transcripts); short protein forms D70E.
Identifiers: ClinVar variation 485715 (VCV000485715.19), dbSNP rs150308912, ClinGen allele CA061004.
Genomic context (GRCh38, chr11:64,809,900, plus strand): 5'-ATAGAGGGCGGCGATGATAGACAGGTCGGCCACGGGAAAGTAGGTGAGGCCGCCAGGCGG[G>T]TCGGGGGCGGGGCTGGGCTGGAAGGTGAGCTCGGGAACGTTGGTAGGGATGACGCGGTTG-3'
Protein context (NP_001357188.2, residues 60-80): ELTFQPSPAP[Asp70Glu]PPGGLTYFPV